The following is an entry in ClinVar:

NM_024996.7(GFM1):c.127A>G (p.Asn43Asp)

Gene: GFM1 (G elongation factor mitochondrial 1; plus strand). Cytogenetic location: 3q25.32.
Variant type: single nucleotide variant.
Coding change: c.127A>G on transcript NM_024996.7 (MANE Select); coding-DNA position 127, A replaced by G.
Protein change: p.Asn43Asp; replaces asparagine 43 with aspartic acid.
Molecular consequence: missense variant. On other transcripts: 5 prime UTR variant (4), non-coding transcript variant (4).
Genome position (GRCh38, 1-based): chr3:158,645,674, A>G. VCF-style: chr3-158645674-A-G. GRCh37 (hg19) VCF-style: chr3-158363463-A-G.
Other names: p.N43D:AAT>GAT; c.127A>G, p.Asn43Asp (NM_001308164.2, NM_001308166.2, NM_001374355.1 and 2 more transcripts); c.-99A>G (NM_001374357.1); c.-103A>G (NM_001374359.1, NM_001374360.1, NM_001374361.1); short protein forms N43D.
Identifiers: ClinVar variation 137462 (VCV000137462.59), dbSNP rs35942089, ClinGen allele CA291058.
Genomic context (GRCh38, chr3:158,645,674, plus strand): 5'-TCGTATTTTTTTCAGGTTAATTGGAAGGCCTGCCGATGGTCTTCATCAGGGGTGATTCCT[A>G]ATGAAAAAATACGAAATATTGGAATCTCAGCTCACATTGATTCTGGGAAAACTACATTAA-3'
Protein context (NP_079272.4, residues 33-53): CRWSSSGVIP[Asn43Asp]EKIRNIGISA

ClinVar aggregate classification (germline): Benign/Likely benign. Review status: criteria provided, multiple submitters, no conflicts (2 of 4 stars). 11 submissions from 11 submitters: Benign (7); Likely benign (3). 1 of the submissions does not count toward it. Last evaluated 2026-07-01.

Conditions:
Hepatoencephalopathy due to combined oxidative phosphorylation defect type 1. Also called: HEPATOENCEPHALOPATHY, EARLY FATAL PROGRESSIVE. Identifiers: Orphanet 137681, MedGen C1836797, MONDO:0012191, OMIM 609060.

Allele frequency attached by ClinVar (database versions not stated): 1000 Genomes Project 0.00499; 1000 Genomes Project 30x 0.00500; TOPMed 0.00732; gnomAD 0.00886 and 0.00900; gnomAD exomes 0.00961 and 0.01126; ExAC 0.00982; ESP Exome Variant Server 0.01046.
gnomAD v4.1: 17,706 of 1,611,068 alleles (1.1%); highest among the groups gnomAD compares: Non-Finnish European, 1.2%; 135 homozygotes.

Submissions (11):

CeGaT Center for Human Genetics Tuebingen
Classification: Benign. Last evaluated: 2026-07-01. Review status: criteria provided, single submitter. Criteria: CeGaT Center For Human Genetics Tuebingen Variant Classification Criteria Version 2. Collection method: clinical testing. Allele origin: germline. Affected: yes. Observed: 61 variant alleles.
Comment: GFM1: BP4, BS1, BS2

Labcorp Genetics (formerly Invitae), Labcorp
Classification: Benign. Last evaluated: 2026-02-04. Review status: criteria provided, single submitter. Criteria: Invitae Variant Classification Sherloc (09022015). Collection method: clinical testing. Allele origin: germline.

Women's Health and Genetics/Laboratory Corporation of America, LabCorp
Classification: Benign. Last evaluated: 2023-01-31. Review status: criteria provided, single submitter. Criteria: LabCorp Variant Classification Summary - May 2015. Collection method: clinical testing. Allele origin: germline.
Comment: Variant summary: GFM1 c.127A>G (p.Asn43Asp) results in a conservative amino acid change in the encoded protein sequence. Four of five in-silico tools predict a benign effect of the variant on protein function. The variant allele was found at a frequency of 0.0096 in 251432 control chromosomes, predominantly at a frequency of 0.014 within the Non-Finnish European subpopulation in the gnomAD database, including 14 homozygotes, suggesting a benign role of the gene. c.127A>G has been reported in the literature in individuals affected with unspecified mitochondrial disorder without evidence for causality (Wang_2011). This report does not provide unequivocal conclusions about association of the variant with Hepatoencephalopathy Due To Combined Oxidative Phosphorylation Defect Type 1. To our knowledge, no experimental evidence demonstrating an impact on protein function has been reported. Seven clinical diagnostic laboratories have submitted clinical-significance assessments for this variant to ClinVar after 2014 without evidence for independent evaluation. All laboratories classified the variant as benign (n=5), likely benign (n=2). Based on the evidence outlined above, the variant was classified as benign.

Fulgent Genetics
Classification: Likely benign for Hepatoencephalopathy due to combined oxidative phosphorylation defect type 1. Last evaluated: 2021-11-24. Review status: criteria provided, single submitter. Criteria: ACMG Guidelines, 2015. Collection method: clinical testing. Allele origin: unknown.

Pars Genome Lab
Classification: Benign for Hepatoencephalopathy due to combined oxidative phosphorylation defect type 1. Last evaluated: 2021-05-18. Review status: criteria provided, single submitter. Criteria: ACMG Guidelines, 2015. Collection method: clinical testing. Allele origin: germline. Affected: no.

Mayo Clinic Laboratories, Mayo Clinic
Classification: Benign. Last evaluated: 2019-07-19. Review status: criteria provided, single submitter. Criteria: ACMG Guidelines, 2015. Collection method: clinical testing. Allele origin: germline. Observed: 20 variant alleles.

Illumina Laboratory Services, Illumina
Classification: Benign for Hepatoencephalopathy due to combined oxidative phosphorylation defect type 1. Last evaluated: 2018-01-13. Review status: criteria provided, single submitter. Criteria: ICSL Variant Classification Criteria 13 December 2019. Collection method: clinical testing. Allele origin: germline.
Comment: This variant was observed in the ICSL laboratory as part of a predisposition screen in an ostensibly healthy population. It had not been previously curated by ICSL or reported in the Human Gene Mutation Database (HGMD: prior to June 1st, 2018), and was therefore a candidate for classification through an automated scoring system. Utilizing variant allele frequency, disease prevalence and penetrance estimates, and inheritance mode, an automated score was calculated to assess if this variant is too frequent to cause the disease. Based on the score and internal cut-off values, a variant classified as benign is not then subjected to further curation. The score for this variant resulted in a classification of benign for this disease.

Laboratory for Molecular Medicine, Mass General Brigham Personalized Medicine
Classification: Likely benign. Last evaluated: 2016-03-29. Review status: criteria provided, single submitter. Criteria: LMM Criteria. Collection method: clinical testing. Allele origin: germline.
Comment: Variant identified in a genome or exome case(s) and assessed due to predicted null impact of the variant or pathogenic assertions in the literature or databases. Disclaimer: This variant has not undergone full assessment. The following are preliminary notes: Frequency, gene associated with combined oxidative phosphorylation deficiency

GeneDx
Classification: Benign. Last evaluated: 2014-01-11. Review status: criteria provided, single submitter. Criteria: GeneDx Variant Classification (06012015). Collection method: clinical testing. Allele origin: germline. Affected: yes.
Comment: This variant is considered likely benign or benign based on one or more of the following criteria: it is a conservative change, it occurs at a poorly conserved position in the protein, it is predicted to be benign by multiple in silico algorithms, and/or has population frequency not consistent with disease.

Breakthrough Genomics
Classification: Likely benign. Review status: criteria provided, single submitter. Criteria: ACMG Guidelines, 2015. Collection method: not provided. Allele origin: germline. Inheritance: Autosomal recessive inheritance. Affected: yes.

Natera, Inc.
Classification: Benign for Combined oxidative phosphorylation deficiency 1. Last evaluated: 2019-11-12. Review status: no assertion criteria provided. Collection method: clinical testing. Allele origin: germline. Not counted in ClinVar's aggregate classification.

Literature cited by the submitters: PubMed 20843780 (cited by Women's Health and Genetics/Laboratory Corporation of America, LabCorp).